The following is an entry in ClinVar:

NM_032737.4(LMNB2):c.561C>T (p.Ala187=)

Gene: LMNB2 (lamin B2; minus strand). Cytogenetic location: 19p13.3.
Variant type: single nucleotide variant.
Coding change: c.561C>T on transcript NM_032737.4 (MANE Select); coding-DNA position 561, C replaced by T.
Protein change: p.Ala187=; no amino-acid change (alanine 187 retained).
Molecular consequence: synonymous variant.
Genome position (GRCh38, 1-based): chr19:2,438,286, G>A on the plus strand (C>T on the coding strand, the complement: LMNB2 is on the minus strand). VCF-style: chr19-2438286-G-A. GRCh37 (hg19) VCF-style: chr19-2438284-G-A.
Identifiers: ClinVar variation 749627 (VCV000749627.10), dbSNP rs369856120, ClinGen allele CA9067843.

ClinVar aggregate classification (germline): Likely benign. Review status: criteria provided, single submitter (1 of 4 stars). 2 submissions from 2 submitters: Likely benign (1). 1 of the submissions does not count toward it. Last evaluated 2025-11-15.

Conditions:
LMNB2-related disorder. Also called: LMNB2-related condition.
Lipodystrophy, partial, acquired, susceptibility to (APLD). Also called: APLD, SUSCEPTIBILITY TO. Identifiers: MedGen C3887501, MONDO:0100476, OMIM 608709.
Progressive myoclonic epilepsy type 9. Identifiers: Orphanet 457265, MedGen C4225289, MONDO:0014685, OMIM 616540.

Allele frequency attached by ClinVar (database versions not stated): ESP Exome Variant Server 0.00023; gnomAD exomes 0.00001; ExAC 0.00002; gnomAD 0.00004; TOPMed 0.00006.
gnomAD v4.1: 66 of 1,613,804 alleles (0.0041%); highest among the groups gnomAD compares: Middle Eastern, 0.016%; no homozygotes.

Submissions (2):

Labcorp Genetics (formerly Invitae), Labcorp
Classification: Likely benign for Progressive myoclonic epilepsy type 9; Lipodystrophy, partial, acquired, susceptibility to. Last evaluated: 2025-11-15. Review status: criteria provided, single submitter. Criteria: Invitae Variant Classification Sherloc (09022015). Collection method: clinical testing. Allele origin: germline.

PreventionGenetics, part of Exact Sciences
Classification: Likely benign for LMNB2-related condition. Last evaluated: 2019-09-17. Review status: no assertion criteria provided. Collection method: clinical testing. Allele origin: germline. Not counted in ClinVar's aggregate classification.
Comment: This variant is classified as likely benign based on ACMG/AMP sequence variant interpretation guidelines (Richards et al. 2015 PMID: 25741868, with internal and published modifications).